The following is an entry in ClinVar:

ClinVar aggregate classification (germline): Uncertain significance (1 of 4 stars; one submission).

Conditions:
Autosomal recessive ataxia, Beauce type. Also called: ATAXIA, RECESSIVE, OF BEAUCE; Spinocerebellar ataxia, autosomal recessive 8; SYNE1-Related Autosomal Recessive Cerebellar Ataxia; SYNE1 Deficiency. Identifiers: Orphanet 88644, MedGen C1853116, MONDO:0012549, OMIM 610743.
Emery-Dreifuss muscular dystrophy 4, autosomal dominant (EDMD4). Also called: EMERY-DREIFUSS MUSCULAR DYSTROPHY 4 WITH VARIABLE FEATURES. Identifiers: Orphanet 261, MedGen C2751807, MONDO:0013071, OMIM 612998.

Allele frequency attached by ClinVar (database versions not stated): gnomAD exomes below 0.00001; gnomAD 0.00001; TOPMed 0.00001.
gnomAD v4.1: 2 of 1,613,886 alleles (0.00012%); highest among the groups gnomAD compares: Non-Finnish European, 0.00017%; no homozygotes.

Submission:

Labcorp Genetics (formerly Invitae), Labcorp
Classification: Uncertain significance for Emery-Dreifuss muscular dystrophy 4, autosomal dominant; Autosomal recessive ataxia, Beauce type. Last evaluated: 2020-01-01. Review status: criteria provided, single submitter. Criteria: Invitae Variant Classification Sherloc (09022015). Collection method: clinical testing. Allele origin: germline.
Comment: In summary, the available evidence is currently insufficient to determine the role of this variant in disease. Therefore, it has been classified as a Variant of Uncertain Significance. Algorithms developed to predict the effect of missense changes on protein structure and function are either unavailable or do not agree on the potential impact of this missense change (SIFT: "Deleterious"; PolyPhen-2: "Possibly Damaging"; Align-GVGD: "Class C0"). This variant has not been reported in the literature in individuals with SYNE1-related conditions. This variant is not present in population databases (ExAC no frequency). This sequence change replaces lysine with glutamine at codon 6463 of the SYNE1 protein (p.Lys6463Gln). The lysine residue is highly conserved and there is a small physicochemical difference between lysine and glutamine.

NM_182961.4(SYNE1):c.19600A>C (p.Lys6534Gln)

Gene: SYNE1 (spectrin repeat containing nuclear envelope protein 1; minus strand). Cytogenetic location: 6q25.2.
Variant type: single nucleotide variant.
Coding change: c.19600A>C on transcript NM_182961.4 (MANE Select); coding-DNA position 19600, A replaced by C.
Protein change: p.Lys6534Gln; replaces lysine 6534 with glutamine.
Molecular consequence: missense variant.
Genome position (GRCh38, 1-based): chr6:152,244,629, T>G on the plus strand (A>C on the coding strand, the complement: SYNE1 is on the minus strand). VCF-style: chr6-152244629-T-G. GRCh37 (hg19) VCF-style: chr6-152565764-T-G.
Other names: c.19387A>C, p.Lys6463Gln (NM_033071.5); short protein forms K6463Q, K6534Q.
Identifiers: ClinVar variation 1013779 (VCV001013779.9), dbSNP rs1377270650, ClinGen allele CA366131173.